The following is an entry in ClinVar:

ClinVar aggregate classification (germline): Uncertain significance (1 of 4 stars; one submission).

Conditions:
Hereditary cancer-predisposing syndrome. Also called: Neoplastic Syndromes, Hereditary; Tumor predisposition; Hereditary Cancer Syndrome; Hereditary neoplastic syndrome. Identifiers: Orphanet 140162, MedGen C0027672, MeSH D009386, MONDO:0015356.

Submission:

Ambry Genetics
Classification: Uncertain significance for Hereditary cancer-predisposing syndrome. Last evaluated: 2024-10-14. Review status: criteria provided, single submitter. Criteria: Ambry Variant Classification Scheme 2023. Collection method: clinical testing. Allele origin: germline.
Comment: The p.A211S variant (also known as c.631G>T), located in coding exon 7 of the NF2 gene, results from a G to T substitution at nucleotide position 631. The alanine at codon 211 is replaced by serine, an amino acid with similar properties. This amino acid position is conserved. In addition, this alteration is predicted to be deleterious by in silico analysis. Based on the available evidence, the clinical significance of this variant remains unclear.

NM_000268.4(NF2):c.631G>T (p.Ala211Ser)

Gene: NF2 (NF2, moesin-ezrin-radixin like (MERLIN) tumor suppressor; plus strand). Cytogenetic location: 22q12.2.
Variant type: single nucleotide variant.
Coding change: c.631G>T on transcript NM_000268.4 (MANE Select); coding-DNA position 631, G replaced by T.
Protein change: p.Ala211Ser; replaces alanine 211 with serine.
Molecular consequence: missense variant. On other transcripts: intron variant (1).
Genome position (GRCh38, 1-based): chr22:29,658,220, G>T. VCF-style: chr22-29658220-G-T. GRCh37 (hg19) VCF-style: chr22-30054209-G-T.
Other names: c.517G>T, p.Ala173Ser (NM_001407053.1, NM_001407056.1); c.508G>T, p.Ala170Ser (NM_001407054.1, NM_001407058.1, NM_001407062.1 and 1 more transcripts); c.505G>T, p.Ala169Ser (NM_001407055.1, NM_181828.3); c.631G>T, p.Ala211Ser (NM_001407057.1, NM_001407059.1, NM_001407060.1 and 4 more transcripts); c.382G>T, p.Ala128Ser (NM_001407063.1, NM_001407064.1, NM_181830.3 and 1 more transcripts); c.97G>T, p.Ala33Ser (NM_001407065.1); c.400G>T, p.Ala134Ser (NM_001407067.1); c.447+15935G>T (NM_181833.3); short protein forms A170S, A211S, A173S, A33S, A128S, A134S, A169S.
Identifiers: ClinVar variation 3405008 (VCV003405008.1).
Genomic context (GRCh38, chr22:29,658,220, plus strand): 5'-AATGACAGTGTCTTCCGTTCTCCCCACAGGGATGAAGCTGAAATGGAATATCTGAAGATA[G>T]CTCAGGACCTGGAGATGTACGGTGTGAACTACTTTGCAATCCGGGTGTGTTGAAACCTCT-3'
Protein context (NP_000259.1, residues 201-221): DEAEMEYLKI[Ala211Ser]QDLEMYGVNY